The following is an entry in ClinVar:

NM_024312.5(GNPTAB):c.3165_3168del (p.Asn1056fs)

Gene: GNPTAB (N-acetylglucosamine-1-phosphate transferase subunits alpha and beta; minus strand). Cytogenetic location: 12q23.2.
Variant type: Deletion.
Coding change: c.3165_3168del on transcript NM_024312.5 (MANE Select); coding-DNA positions 3165 to 3168, 4 bases deleted (AAAT; older notation c.3165_3168delAAAT).
Protein change: p.Asn1056fs; shifts the reading frame from asparagine 1056.
Molecular consequence: frameshift variant.
Genome position (GRCh38, 1-based): chr12:101,760,111-101,760,114, ATTT deleted on the plus strand (AAAT on the coding strand, the reverse complement: GNPTAB is on the minus strand); deleting any 4 consecutive bases within chr12:101,760,111-101,760,117 gives the same sequence; the c. name uses the placement nearest the transcript's 3' end. VCF-style (leftmost placement, unchanged base first): chr12-101760110-AATTT-A. GRCh37 (hg19) VCF-style: chr12-102153888-AATTT-A.
Other names: short protein forms N1056fs.
Identifiers: ClinVar variation 1725924 (VCV001725924.3), dbSNP rs2547953474, ClinGen allele CA2580085659.

ClinVar aggregate classification (germline): Likely pathogenic (1 of 4 stars; one submission).

Conditions:
GNPTAB-mucolipidosis. Also called: UDP-N-acetylglucosamine-1-phosphotransferase subunit alpha/beta deficiency. Identifiers: MedGen CN322573, MONDO:0100122.

Submission:

Myriad Genetics, Inc.
Classification: Likely pathogenic for GNPTAB-mucolipidosis. Last evaluated: 2022-04-15. Review status: criteria provided, single submitter. Criteria: Myriad Autosomal Dominant, Autosomal Recessive and X-Linked Classification Criteria (2023). Collection method: clinical testing. Allele origin: unknown.
Comment: NM_024312.4(GNPTAB):c.3165_3168delAAAT(N1056Afs*12) is expected to be pathogenic in the context of GNPTAB-related disorders. This variant is predicted to lead to an abnormal or absent protein product due to the creation of a premature termination codon in GNPTAB, a gene where loss-of-function variants are known to be pathogenic. Please note: this variant was assessed in the context of healthy population screening.